The following is an entry in ClinVar:

ClinVar aggregate classification (germline): Uncertain significance. Review status: criteria provided, multiple submitters, no conflicts (2 of 4 stars). 2 submissions from 2 submitters: Uncertain significance (2). Last evaluated 2025-04-30.

Conditions:
Inborn genetic diseases. Identifiers: MedGen C0950123, MeSH D030342.

gnomAD v4.1: 4 of 1,613,912 alleles (0.00025%); highest among the groups gnomAD compares: East Asian, 0.0067%; no homozygotes.

Submissions (2):

Ambry Genetics
Classification: Uncertain significance for Inborn genetic diseases. Last evaluated: 2025-04-30. Review status: criteria provided, single submitter. Criteria: Ambry Variant Classification Scheme 2023. Collection method: clinical testing. Allele origin: germline.

GeneDx
Classification: Uncertain significance. Last evaluated: 2023-02-16. Review status: criteria provided, single submitter. Criteria: GeneDx Variant Classification Process June 2021. Collection method: clinical testing. Allele origin: germline. Affected: yes.
Comment: Not observed at significant frequency in large population cohorts (gnomAD); In silico analysis supports that this missense variant has a deleterious effect on protein structure/function; Has not been previously published as pathogenic or benign to our knowledge

NM_012200.4(B3GAT3):c.929G>C (p.Arg310Pro)

Gene: B3GAT3 (beta-1,3-glucuronyltransferase 3; minus strand). Cytogenetic location: 11q12.3.
Variant type: single nucleotide variant.
Coding change: c.929G>C on transcript NM_012200.4 (MANE Select); coding-DNA position 929, G replaced by C.
Protein change: p.Arg310Pro; replaces arginine 310 with proline.
Molecular consequence: missense variant. On other transcripts: 3 prime UTR variant (2), non-coding transcript variant (1).
Genome position (GRCh38, 1-based): chr11:62,615,780, C>G on the plus strand (G>C on the coding strand, the complement: B3GAT3 is on the minus strand). VCF-style: chr11-62615780-C-G. GRCh37 (hg19) VCF-style: chr11-62383252-C-G.
Other names: c.908G>C, p.Arg303Pro (NM_001288721.2); c.*406G>C (NM_001288722.2); c.*422G>C (NM_001288723.2); short protein forms R303P, R310P.
Identifiers: ClinVar variation 2576750 (VCV002576750.2), dbSNP rs779076359, ClinGen allele CA380974178.
Genomic context (GRCh38, chr11:62,615,780, plus strand): 5'-TCTGAGCCCCGGCCCTGCCGCTGCAGCTGCTCCTCCTGCTTCATCTTGGGCTTCTCTGTC[C>G]GAGTATGCCACACCAGTACCTGTGCCAGGAGGGATGCAGTGAGAGCCAGGCCCAGCTGCA-3'
Protein context (NP_036332.2, residues 300-320): NCTRVLVWHT[Arg310Pro]TEKPKMKQEE